The following is an entry in ClinVar:

ClinVar aggregate classification (germline): Uncertain significance (1 of 4 stars; one submission).

Conditions:
Cardiovascular phenotype. Identifiers: MedGen CN230736.

Submission:

Ambry Genetics
Classification: Uncertain significance for Cardiovascular phenotype. Last evaluated: 2021-04-13. Review status: criteria provided, single submitter. Criteria: Ambry Variant Classification Scheme 2023. Collection method: clinical testing. Allele origin: germline.
Comment: The p.E46A variant (also known as c.137A>C), located in coding exon 1 of the ALMS1 gene, results from an A to C substitution at nucleotide position 137. The glutamic acid at codon 46 is replaced by alanine, an amino acid with dissimilar properties. This amino acid position is well conserved in available vertebrate species. In addition, this alteration is predicted to be tolerated by in silico analysis. Since supporting evidence is limited at this time, the clinical significance of this alteration remains unclear.

NM_001378454.1(ALMS1):c.134A>C (p.Glu45Ala)

Gene: ALMS1 (ALMS1 centrosome and basal body associated protein; plus strand). Cytogenetic location: 2p13.1.
Variant type: single nucleotide variant.
Coding change: c.134A>C on transcript NM_001378454.1 (MANE Select); coding-DNA position 134, A replaced by C.
Protein change: p.Glu45Ala; replaces glutamic acid 45 with alanine.
Molecular consequence: missense variant.
Genome position (GRCh38, 1-based): chr2:73,386,002, A>C. VCF-style: chr2-73386002-A-C. GRCh37 (hg19) VCF-style: chr2-73613130-A-C.
Other names: c.137A>C, p.Glu46Ala (NM_015120.4); short protein forms E46A, E45A.
Identifiers: ClinVar variation 1771242 (VCV001771242.2), dbSNP rs2465970870, ClinGen allele CA347250676.